The following is an entry in ClinVar:

NM_173477.5(USH1G):c.759G>C (p.Val253=)

Gene: USH1G (USH1 protein network component sans; minus strand). Cytogenetic location: 17q25.1.
Variant type: single nucleotide variant.
Coding change: c.759G>C on transcript NM_173477.5 (MANE Select); coding-DNA position 759, G replaced by C.
Protein change: p.Val253=; no amino-acid change (valine 253 retained).
Molecular consequence: synonymous variant.
Genome position (GRCh38, 1-based): chr17:74,920,077, C>G on the plus strand (G>C on the coding strand, the complement: USH1G is on the minus strand). VCF-style: chr17-74920077-C-G. GRCh37 (hg19) VCF-style: chr17-72916172-C-G.
Other names: c.759G>C (NM_173477.4); c.450G>C, p.Val150= (NM_001282489.3).
Identifiers: ClinVar variation 1116076 (VCV001116076.11), dbSNP rs375706126, ClinGen allele CA8754006.

ClinVar aggregate classification (germline): Likely benign. Review status: criteria provided, single submitter (1 of 4 stars). 2 submissions from 2 submitters: Likely benign (1). 1 of the submissions does not count toward it. Last evaluated 2025-04-19.

Conditions:
USH1G-related disorder. Also called: USH1G-related disorders; USH1G-related condition.

Allele frequency attached by ClinVar (database versions not stated): gnomAD exomes below 0.00001 and 0.00001; ExAC 0.00001; gnomAD 0.00001 and 0.00002; TOPMed 0.00006; ESP Exome Variant Server 0.00008.

Submissions (2):

Labcorp Genetics (formerly Invitae), Labcorp
Classification: Likely benign. Last evaluated: 2025-04-19. Review status: criteria provided, single submitter. Criteria: Invitae Variant Classification Sherloc (09022015). Collection method: clinical testing. Allele origin: germline.

PreventionGenetics, part of Exact Sciences
Classification: Likely benign for USH1G-related condition. Last evaluated: 2019-09-19. Review status: no assertion criteria provided. Collection method: clinical testing. Allele origin: germline. Not counted in ClinVar's aggregate classification.
Comment: This variant is classified as likely benign based on ACMG/AMP sequence variant interpretation guidelines (Richards et al. 2015 PMID: 25741868, with internal and published modifications).